The following is an entry in ClinVar:

ClinVar aggregate classification (germline): Likely benign. Review status: criteria provided, multiple submitters, no conflicts (2 of 4 stars). 2 submissions from 2 submitters: Likely benign (2). Last evaluated 2025-03-09.

Conditions:
Familial sleep-related hypermotor epilepsy. Also called: Autosomal Dominant Sleep-Related Hypermotor (Hyperkinetic) Epilepsy. Identifiers: Orphanet 98784, MedGen C3696898, MONDO:0000030.

Submissions (2):

Labcorp Genetics (formerly Invitae), Labcorp
Classification: Likely benign. Last evaluated: 2025-03-09. Review status: criteria provided, single submitter. Criteria: Invitae Variant Classification Sherloc (09022015). Collection method: clinical testing. Allele origin: germline.

CeGaT Center for Human Genetics Tuebingen
Classification: Likely benign. Last evaluated: 2024-12-01. Review status: criteria provided, single submitter. Criteria: CeGaT Center For Human Genetics Tuebingen Variant Classification Criteria Version 2. Collection method: clinical testing. Allele origin: germline. Affected: yes. Observed: 1 variant allele.
Comment: CHRNA2: PM2:Supporting, BP4, BP7

NM_000742.4(CHRNA2):c.1381C>T (p.Leu461=)

Gene: CHRNA2 (cholinergic receptor nicotinic alpha 2 subunit; minus strand). Cytogenetic location: 8p21.2.
Variant type: single nucleotide variant.
Coding change: c.1381C>T on transcript NM_000742.4 (MANE Select); coding-DNA position 1381, C replaced by T.
Protein change: p.Leu461=; no amino-acid change (leucine 461 retained).
Molecular consequence: synonymous variant.
Genome position (GRCh38, 1-based): chr8:27,463,062, G>A on the plus strand (C>T on the coding strand, the complement: CHRNA2 is on the minus strand). VCF-style: chr8-27463062-G-A. GRCh37 (hg19) VCF-style: chr8-27320579-G-A.
Other names: c.1336C>T, p.Leu446= (NM_001282455.2); c.904C>T, p.Leu302= (NM_001347705.2, NM_001347706.2); c.787C>T, p.Leu263= (NM_001347707.2, NM_001347708.2).
Identifiers: ClinVar variation 3772097 (VCV003772097.14).
Genomic context (GRCh38, chr8:27,463,062, plus strand): 5'-GCAGGTGGTCGGCAATGTAGTGCACACCTTCCAGTGCCTTCTGCATGTGGGGTGATAGCA[G>A]CAGCTCACCCTCCTGCAGCAGAGCCTCAGCCTTGGGACCTGAGGCCCCAGAGTGCAGGTG-3'
Protein context (NP_000733.2, residues 451-471): AEALLQEGEL[Leu461=]LSPHMQKALE